The following is an entry in ClinVar:

ClinVar aggregate classification (germline): Pathogenic. Review status: criteria provided, single submitter (1 of 4 stars). 3 submissions from 3 submitters: Pathogenic (1). 2 of the submissions do not count toward it. Last evaluated 2023-03-07.

Conditions:
Tuberous sclerosis syndrome (TSC). Also called: Tuberous Sclerosis Complex; Tuberous sclerosis. Identifiers: Orphanet 805, MedGen C0041341, MONDO:0001734.
Tuberous sclerosis 2 (TSC2). Identifiers: Orphanet 805, MedGen C1860707, MONDO:0013199, OMIM 613254.

Submissions (3):

Labcorp Genetics (formerly Invitae), Labcorp
Classification: Pathogenic for Tuberous sclerosis 2. Last evaluated: 2023-03-07. Review status: criteria provided, single submitter. Criteria: Invitae Variant Classification Sherloc (09022015). Collection method: clinical testing. Allele origin: germline.
Comment: This sequence change creates a premature translational stop signal (p.Ser1085*) in the TSC2 gene. It is expected to result in an absent or disrupted protein product. Loss-of-function variants in TSC2 are known to be pathogenic (PMID: 10205261, 17304050). This variant is not present in population databases (gnomAD no frequency). This variant has not been reported in the literature in individuals affected with TSC2-related conditions. ClinVar contains an entry for this variant (Variation ID: 50055). For these reasons, this variant has been classified as Pathogenic.

Tuberous Sclerosis Complex New Zealand
Classification: Pathogenic for Tuberous sclerosis syndrome. Last evaluated: 2020-03-18. Review status: no assertion criteria provided. Collection method: research. Allele origin: de novo. Inheritance: Autosomal dominant inheritance. Affected: yes. Observed: 1 heterozygote. Not counted in ClinVar's aggregate classification.
Comment: The variant results in a change in codon from serine1085 to a premature stop codon. Results in loss of the TSC2 (Tuberin) functional GAP domain and constitutive activation of RHEB and thus downstream mTORC1 signalling.

Tuberous sclerosis database (TSC2)
No classification provided. Condition: TSC. Review status: no classification provided. Criteria: Tuberous Sclerosis Database Assertion Criteria 2015. Collection method: curation. Allele origin: germline. Affected: yes. Not counted in ClinVar's aggregate classification.

Literature cited by the submitters: PubMed 10205261 (cited by Labcorp Genetics (formerly Invitae), Labcorp); PubMed 17304050 (cited by Labcorp Genetics (formerly Invitae), Labcorp).

NM_000548.5(TSC2):c.3254C>A (p.Ser1085Ter)

Gene: TSC2 (TSC complex subunit 2; plus strand). Cytogenetic location: 16p13.3.
Variant type: single nucleotide variant.
Coding change: c.3254C>A on transcript NM_000548.5 (MANE Select); coding-DNA position 3254, C replaced by A.
Protein change: p.Ser1085Ter; replaces serine 1085 with a stop codon.
Molecular consequence: nonsense.
Genome position (GRCh38, 1-based): chr16:2,079,398, C>A. VCF-style: chr16-2079398-C-A. GRCh37 (hg19) VCF-style: chr16-2129399-C-A.
Other names: c.3122C>A, p.Ser1041Ter (NM_001077183.3, NM_001370404.1); c.3254C>A, p.Ser1085Ter (NM_001114382.3); c.3014C>A, p.Ser1005Ter (NM_001318827.2); c.2978C>A, p.Ser993Ter (NM_001318829.2); c.2522C>A, p.Ser841Ter (NM_001318831.2); c.3155C>A, p.Ser1052Ter (NM_001318832.2); c.3125C>A, p.Ser1042Ter (NM_001363528.2, NM_001370405.1, NM_021055.3); short protein forms S1085*, S1005*, S841*, S1041*, S1052*, S993*, S1042*.
Identifiers: ClinVar variation 50055 (VCV000050055.33), dbSNP rs45517287, ClinGen allele CA018749.